The following is an entry in ClinVar:

ClinVar aggregate classification (germline): Uncertain significance (1 of 4 stars; one submission).

Conditions:
Neurofibromatosis, type 2 (SWNV). Also called: BILATERAL ACOUSTIC NEUROFIBROMATOSIS; NF2-Related Schwannomatosis; SCHWANNOMATOSIS, VESTIBULAR. Identifiers: Orphanet 637, MedGen C0027832, MONDO:0007039, OMIM 101000. Disease mechanism: loss of function.

Submission:

Labcorp Genetics (formerly Invitae), Labcorp
Classification: Uncertain significance for Neurofibromatosis, type 2. Last evaluated: 2024-04-29. Review status: criteria provided, single submitter. Criteria: Invitae Variant Classification Sherloc (09022015). Collection method: clinical testing. Allele origin: germline.
Comment: This sequence change replaces arginine, which is basic and polar, with leucine, which is neutral and non-polar, at codon 291 of the NF2 protein (p.Arg291Leu). This variant is not present in population databases (gnomAD no frequency). This variant has not been reported in the literature in individuals affected with NF2-related conditions. ClinVar contains an entry for this variant (Variation ID: 1062752). Advanced modeling of protein sequence and biophysical properties (such as structural, functional, and spatial information, amino acid conservation, physicochemical variation, residue mobility, and thermodynamic stability) has been performed at Invitae for this missense variant, however the output from this modeling did not meet the statistical confidence thresholds required to predict the impact of this variant on NF2 protein function. In summary, the available evidence is currently insufficient to determine the role of this variant in disease. Therefore, it has been classified as a Variant of Uncertain Significance.

NM_000268.4(NF2):c.872G>T (p.Arg291Leu)

Gene: NF2 (NF2, moesin-ezrin-radixin like (MERLIN) tumor suppressor; plus strand). Cytogenetic location: 22q12.2.
Variant type: single nucleotide variant.
Coding change: c.872G>T on transcript NM_000268.4 (MANE Select); coding-DNA position 872, G replaced by T.
Protein change: p.Arg291Leu; replaces arginine 291 with leucine.
Molecular consequence: missense variant. On other transcripts: non-coding transcript variant (1), intron variant (1).
Genome position (GRCh38, 1-based): chr22:29,665,051, G>T. VCF-style: chr22-29665051-G-T. GRCh37 (hg19) VCF-style: chr22-30061040-G-T.
Other names: c.872G>T, p.Arg291Leu (NM_016418.5, NM_181825.3, NM_181832.3); c.746G>T, p.Arg249Leu (NM_181828.3); c.749G>T, p.Arg250Leu (NM_181829.3); c.623G>T, p.Arg208Leu (NM_181830.3, NM_181831.3); c.447+22766G>T (NM_181833.3); short protein forms R208L, R249L, R250L, R291L.
Identifiers: ClinVar variation 1062752 (VCV001062752.7), dbSNP rs755200117, ClinGen allele CA411144782.
Genomic context (GRCh38, chr22:29,665,051, plus strand): 5'-TTACTATTAAACCACTGGATAAGAAAATTGATGTCTTCAAGTTTAACTCCTCAAAGCTTC[G>T]TGTTAATAAGCTGGTAAGTTGAGATCCTGGTTTTCATTACTGATAATGGTAGCTTTTCTG-3'
Protein context (NP_000259.1, residues 281-301): DVFKFNSSKL[Arg291Leu]VNKLILQLCI